The following is an entry in ClinVar:

ClinVar aggregate classification (germline): Uncertain significance (1 of 4 stars; one submission).

Conditions:
Neurofibromatosis, type 1 (NF1). Also called: VON RECKLINGHAUSEN DISEASE; NEUROFIBROMATOSIS, TYPE I, SOMATIC; Peripheral type neurofibromatosis; Neurofibromatosis, type I. Identifiers: Orphanet 636, MedGen C0027831, MONDO:0018975, OMIM 162200. Disease mechanism: loss of function.

Submission:

Labcorp Genetics (formerly Invitae), Labcorp
Classification: Uncertain significance for Neurofibromatosis, type 1. Last evaluated: 2018-11-15. Review status: criteria provided, single submitter. Criteria: Invitae Variant Classification Sherloc (09022015). Collection method: clinical testing. Allele origin: germline.
Comment: This variant is not present in population databases (ExAC no frequency). In summary, the available evidence is currently insufficient to determine the role of this variant in disease. Therefore, it has been classified as a Variant of Uncertain Significance. Experimental studies and prediction algorithms are not available for this variant, and the functional significance of the affected amino acid(s) is currently unknown. This variant has not been reported in the literature in individuals with NF1-related disease. This sequence change results in a premature translational stop signal in the NF1 gene (p.Leu2745Serfs*14). While this is not anticipated to result in nonsense mediated decay, it is expected to disrupt the last 74 amino acids of the NF1 protein.

NM_001042492.3(NF1):c.8270_8294dup (p.Leu2766fs)

Gene: NF1 (neurofibromin 1; plus strand). Cytogenetic location: 17q11.2.
Variant type: Duplication.
Coding change: c.8270_8294dup on transcript NM_001042492.3 (MANE Select); coding-DNA positions 8270 to 8294, 25 bases duplicated (CTCCCACATCTCCTTACCCTCCTGC).
Protein change: p.Leu2766fs; shifts the reading frame from leucine 2766.
Molecular consequence: frameshift variant.
Genome position (GRCh38, 1-based): chr17:31,360,596-31,360,620, CTCCCACATCTCCTTACCCTCCTGC duplicated. VCF-style (leftmost placement, unchanged base first): chr17-31360595-A-ACTCCCACATCTCCTTACCCTCCTGC. GRCh37 (hg19) VCF-style: chr17-29687613-A-ACTCCCACATCTCCTTACCCTCCTGC.
Other names: c.8207_8231dup25 (NM_000267.3); c.8207_8231dup, p.Leu2745Serfs (NM_000267.4); short protein forms L2745fs, L2766fs.
Identifiers: ClinVar variation 661616 (VCV000661616.5), dbSNP rs1597870232, ClinGen allele CA915949944.